The following is an entry in ClinVar:

ClinVar aggregate classification (germline): Likely pathogenic (1 of 4 stars; one submission).

Conditions:
Primary hyperoxaluria, type I (HP1). Also called: OXALOSIS I; Primary hyperoxaluria type 1; GLYCOLIC ACIDURIA; HEPATIC AGT DEFICIENCY. Identifiers: Orphanet 416, Orphanet 93598, MedGen C0268164, MONDO:0009823, OMIM 259900. Disease mechanism: loss of function.

Submission:

Clinical Biochemistry Laboratory, Health Services Laboratory
Classification: Likely pathogenic for Primary hyperoxaluria, type I. Last evaluated: 2023-10-27. Review status: criteria provided, single submitter. Criteria: ACMG Guidelines, 2015. Collection method: curation. Allele origin: germline.
Comment: ACMG:PVS1 PM2

NM_000030.3(AGXT):c.423+2T>C

Gene: AGXT (alanine--glyoxylate aminotransferase; plus strand). Cytogenetic location: 2q37.3.
Variant type: single nucleotide variant.
Coding change: c.423+2T>C on transcript NM_000030.3 (MANE Select); the canonical splice donor site of the intron after coding-DNA position 423, T replaced by C.
Molecular consequence: splice donor variant.
Genome position (GRCh38, 1-based): chr2:240,870,710, T>C. VCF-style: chr2-240870710-T-C. GRCh37 (hg19) VCF-style: chr2-241810127-T-C.
Identifiers: ClinVar variation 2681166 (VCV002681166.1), dbSNP rs112910630, ClinGen allele CA351314721.
Genomic context (GRCh38, chr2:240,870,710, plus strand): 5'-GAGTGCACCCGATGACCAAGGACCCTGGAGGCCACTACACACTGCAGGAGGTGGAGGAGG[T>C]AGGGGACCCGGGGTGGGGGTCAGGGCCGGGAGGAGGTGGGAGTGGGCATGCTGGCTCAGG-3'